The following is an entry in ClinVar:

NM_001350451.2(RBFOX3):c.113C>T (p.Pro38Leu)

Gene: RBFOX3 (RNA binding fox-1 homolog 3; minus strand). Cytogenetic location: 17q25.3.
Variant type: single nucleotide variant.
Coding change: c.113C>T on transcript NM_001350451.2 (MANE Select); coding-DNA position 113, C replaced by T.
Protein change: p.Pro38Leu; replaces proline 38 with leucine.
Molecular consequence: missense variant.
Genome position (GRCh38, 1-based): chr17:79,115,603, G>A on the plus strand (C>T on the coding strand, the complement: RBFOX3 is on the minus strand). VCF-style: chr17-79115603-G-A. GRCh37 (hg19) VCF-style: chr17-77111685-G-A.
Other names: c.113C>T, p.Pro38Leu (NM_001082575.3, NM_001350453.2, NM_001385804.1 and 43 more transcripts); short protein forms P38L.
Identifiers: ClinVar variation 3152116 (VCV003152116.2), dbSNP rs546031413, ClinGen allele CA401318067.

ClinVar aggregate classification (germline): Uncertain significance. Review status: criteria provided, multiple submitters, no conflicts (2 of 4 stars). 2 submissions from 2 submitters: Uncertain significance (2). Last evaluated 2025-12-27.

Conditions:
Idiopathic generalized epilepsy. Also called: EIG; Generalised epilepsy. Identifiers: MedGen C0270850, MONDO:0005579, OMIM 600669.

gnomAD v4.1: 5 of 1,427,752 alleles (0.00035%); highest among the groups gnomAD compares: African/African-American, 0.0015%; no homozygotes.

Submissions (2):

Labcorp Genetics (formerly Invitae), Labcorp
Classification: Uncertain significance for Idiopathic generalized epilepsy. Last evaluated: 2025-12-27. Review status: criteria provided, single submitter. Criteria: Invitae Variant Classification Sherloc (09022015). Collection method: clinical testing. Allele origin: germline.
Comment: This sequence change replaces proline, which is neutral and non-polar, with leucine, which is neutral and non-polar, at codon 38 of the RBFOX3 protein (p.Pro38Leu). This variant is present in population databases (no rsID available, gnomAD 0.01%). This variant has not been reported in the literature in individuals affected with RBFOX3-related conditions. ClinVar contains an entry for this variant (Variation ID: 3152116). An algorithm developed to predict the effect of missense changes on protein structure and function (PolyPhen-2) suggests that this variant is likely to be tolerated. In summary, the available evidence is currently insufficient to determine the role of this variant in disease. Therefore, it has been classified as a Variant of Uncertain Significance.

Ambry Genetics
Classification: Uncertain significance. Last evaluated: 2024-02-13. Review status: criteria provided, single submitter. Criteria: Ambry Variant Classification Scheme 2023. Collection method: clinical testing. Allele origin: germline.